The following is an entry in ClinVar:

NM_004370.6(COL12A1):c.7338G>T (p.Leu2446Phe)

Genes: COL12A1 (collagen type XII alpha 1 chain; minus strand), LOC126859712 (MED14-independent group 3 enhancer GRCh37_chr6:75828643-75829842; plus strand). Cytogenetic location: 6q13.
Variant type: single nucleotide variant.
Coding change: c.7338G>T on transcript NM_004370.6 (MANE Select); coding-DNA position 7338, G replaced by T.
Protein change: p.Leu2446Phe; replaces leucine 2446 with phenylalanine.
Molecular consequence: missense variant.
Genome position (GRCh38, 1-based): chr6:75,119,059, C>A on the plus strand (G>T on the coding strand, the complement: COL12A1 is on the minus strand). VCF-style: chr6-75119059-C-A. GRCh37 (hg19) VCF-style: chr6-75828775-C-A.
Other names: c.3846G>T, p.Leu1282Phe (NM_080645.3); short protein forms L2446F, L1282F.
Identifiers: ClinVar variation 576452 (VCV000576452.20), dbSNP rs763858637, ClinGen allele CA141013858.

ClinVar aggregate classification (germline): Conflicting classifications of pathogenicity. Review status: criteria provided, conflicting classifications (1 of 4 stars). 5 submissions from 5 submitters: Uncertain significance (4); Likely benign (1). Last evaluated 2026-01-14.

Conditions:
COL12A1-related disorder. Also called: COL12A1-related condition.
Inborn genetic diseases. Identifiers: MedGen C0950123, MeSH D030342.
Ullrich congenital muscular dystrophy 2 (UCMD2). Identifiers: Orphanet 75840, MedGen C4225314, MONDO:0014654, OMIM 616470.
Bethlem myopathy 2 (BTHLM2). Identifiers: Orphanet 536516, Orphanet 610, MedGen C4225313, MONDO:0034022, OMIM 616471.

Allele frequency attached by ClinVar (database versions not stated): gnomAD exomes 0.00002; gnomAD 0.00006; TOPMed 0.00007.
gnomAD v4.1: 105 of 1,613,786 alleles (0.0065%); highest among the groups gnomAD compares: Non-Finnish European, 0.0083%; no homozygotes.

Submissions (5):

Labcorp Genetics (formerly Invitae), Labcorp
Classification: Uncertain significance for Bethlem myopathy 2; Ullrich congenital muscular dystrophy 2. Last evaluated: 2026-01-14. Review status: criteria provided, single submitter. Criteria: Invitae Variant Classification Sherloc (09022015). Collection method: clinical testing. Allele origin: germline.
Comment: This sequence change replaces leucine, which is neutral and non-polar, with phenylalanine, which is neutral and non-polar, at codon 2446 of the COL12A1 protein (p.Leu2446Phe). This variant is present in population databases (rs763858637, gnomAD 0.006%). This variant has not been reported in the literature in individuals affected with COL12A1-related conditions. ClinVar contains an entry for this variant (Variation ID: 576452). Invitae Evidence Modeling of protein sequence and biophysical properties (such as structural, functional, and spatial information, amino acid conservation, physicochemical variation, residue mobility, and thermodynamic stability) indicates that this missense variant is not expected to disrupt COL12A1 protein function with a negative predictive value of 80%. In summary, the available evidence is currently insufficient to determine the role of this variant in disease. Therefore, it has been classified as a Variant of Uncertain Significance.

Ambry Genetics
Classification: Likely benign for Inborn genetic diseases. Last evaluated: 2025-06-24. Review status: criteria provided, single submitter. Criteria: Ambry Variant Classification Scheme 2023. Collection method: clinical testing. Allele origin: germline.

Women's Health and Genetics/Laboratory Corporation of America, LabCorp
Classification: Uncertain significance. Last evaluated: 2024-12-23. Review status: criteria provided, single submitter. Criteria: LabCorp Variant Classification Summary - May 2015. Collection method: clinical testing. Allele origin: germline.
Comment: Variant summary: COL12A1 c.7338G>T (p.Leu2446Phe) results in a non-conservative amino acid change located in the von Willebrand factor (vWF) type A domain (IPR002035) of the encoded protein sequence. Three of five in-silico tools predict a benign effect of the variant on protein function. The variant allele was found at a frequency of 2.4e-05 in 249252 control chromosomes, predominantly at a frequency of 5.3e-05 within the Non-Finnish European subpopulation in the gnomAD database. The available data on variant occurrences in the general population are insufficient to allow any conclusion about variant significance. To our knowledge, no occurrence of c.7338G>T in individuals affected with Ullrich congenital muscular dystrophy 2 and no experimental evidence demonstrating its impact on protein function have been reported. ClinVar contains an entry for this variant (Variation ID: 576452). Based on the evidence outlined above, the variant was classified as uncertain significance.

PreventionGenetics, part of Exact Sciences
Classification: Uncertain significance for COL12A1-related condition. Last evaluated: 2024-12-03. Review status: criteria provided, single submitter. Criteria: ACMG Guidelines, 2015. Collection method: clinical testing. Allele origin: germline.
Comment: The COL12A1 c.7338G>T variant is predicted to result in the amino acid substitution p.Leu2446Phe. To our knowledge, this variant has not been reported in the literature. This variant is reported in 0.0054% of alleles in individuals of European (Non-Finnish) descent in gnomAD. At this time, the clinical significance of this variant is uncertain due to the absence of conclusive functional and genetic evidence.

GeneDx
Classification: Uncertain significance. Last evaluated: 2023-07-25. Review status: criteria provided, single submitter. Criteria: GeneDx Variant Classification Process June 2021. Collection method: clinical testing. Allele origin: germline. Affected: yes.
Comment: Has not been previously published as pathogenic or benign to our knowledge; In silico analysis supports that this missense variant does not alter protein structure/function